The following is an entry in ClinVar:

NM_001205293.3(CACNA1E):c.3586G>A (p.Val1196Met)

Gene: CACNA1E (calcium voltage-gated channel subunit alpha1 E; plus strand). Cytogenetic location: 1q25.3.
Variant type: single nucleotide variant.
Coding change: c.3586G>A on transcript NM_001205293.3 (MANE Select); coding-DNA position 3586, G replaced by A.
Protein change: p.Val1196Met; replaces valine 1196 with methionine.
Molecular consequence: missense variant.
Genome position (GRCh38, 1-based): chr1:181,738,400, G>A. VCF-style: chr1-181738400-G-A. GRCh37 (hg19) VCF-style: chr1-181707536-G-A.
Other names: c.3586G>A, p.Val1196Met (NM_000721.4); c.3529G>A, p.Val1177Met (NM_001205294.2); short protein forms V1196M, V1177M.
Identifiers: ClinVar variation 2997117 (VCV002997117.4), dbSNP rs780295412, ClinGen allele CA1275615.

ClinVar aggregate classification (germline): Uncertain significance. Review status: criteria provided, multiple submitters, no conflicts (2 of 4 stars). 2 submissions from 2 submitters: Uncertain significance (2). Last evaluated 2023-10-08.

Allele frequency attached by ClinVar (database versions not stated): gnomAD exomes below 0.00001; ExAC 0.00001.
gnomAD v4.1: 6 of 1,613,868 alleles (0.00037%); highest among the groups gnomAD compares: South Asian, 0.0011%; no homozygotes.

Submissions (2):

Labcorp Genetics (formerly Invitae), Labcorp
Classification: Uncertain significance. Last evaluated: 2023-10-08. Review status: criteria provided, single submitter. Criteria: Invitae Variant Classification Sherloc (09022015). Collection method: clinical testing. Allele origin: germline.
Comment: This sequence change replaces valine, which is neutral and non-polar, with methionine, which is neutral and non-polar, at codon 1196 of the CACNA1E protein (p.Val1196Met). This variant is not present in population databases (gnomAD no frequency). This variant has not been reported in the literature in individuals affected with CACNA1E-related conditions. Advanced modeling of protein sequence and biophysical properties (such as structural, functional, and spatial information, amino acid conservation, physicochemical variation, residue mobility, and thermodynamic stability) has been performed at Invitae for this missense variant, however the output from this modeling did not meet the statistical confidence thresholds required to predict the impact of this variant on CACNA1E protein function. In summary, the available evidence is currently insufficient to determine the role of this variant in disease. Therefore, it has been classified as a Variant of Uncertain Significance.

Blueprint Genetics
Classification: Uncertain significance. Last evaluated: 2023-10-03. Review status: criteria provided, single submitter. Criteria: ACMG Guidelines, 2015. Collection method: clinical testing. Allele origin: germline.